The following is an entry in ClinVar:

ClinVar aggregate classification (germline): Uncertain significance. Review status: criteria provided, multiple submitters, no conflicts (2 of 4 stars). 6 submissions from 6 submitters: Uncertain significance (6). Last evaluated 2025-05-15.

Conditions:
Familial cancer of breast. Also called: BREAST CANCER, FAMILIAL; Hereditary breast cancer; hereditary breast carcinoma. Identifiers: Orphanet 227535, MedGen C0346153, MONDO:0016419, OMIM 114480. Disease mechanism: loss of function.
Hereditary cancer-predisposing syndrome. Also called: Hereditary neoplastic syndrome; Neoplastic Syndromes, Hereditary; Tumor predisposition; Hereditary Cancer Syndrome. Identifiers: Orphanet 140162, MedGen C0027672, MeSH D009386, MONDO:0015356.
Fanconi anemia complementation group J. Also called: BRIP1-Related Fanconi Anemia. Identifiers: Orphanet 84, MedGen C1836860, MONDO:0012187, OMIM 609054.

Allele frequency attached by ClinVar (database versions not stated): TOPMed below 0.00001; ExAC 0.00001; gnomAD 0.00001; gnomAD exomes 0.00001.
gnomAD v4.1: 17 of 1,613,612 alleles (0.0011%); highest among the groups gnomAD compares: Admixed American, 0.0017%; no homozygotes.

Submissions (6):

Ambry Genetics
Classification: Uncertain significance for Hereditary cancer-predisposing syndrome. Last evaluated: 2025-05-15. Review status: criteria provided, single submitter. Criteria: Ambry Variant Classification Scheme 2023. Collection method: clinical testing. Allele origin: germline.
Comment: The p.D423G variant (also known as c.1268A>G), located in coding exon 8 of the BRIP1 gene, results from an A to G substitution at nucleotide position 1268. The aspartic acid at codon 423 is replaced by glycine, an amino acid with similar properties. This amino acid position is highly conserved in available vertebrate species. In addition, the in silico prediction for this alteration is inconclusive. Since supporting evidence is limited at this time, the clinical significance of this alteration remains unclear.

Labcorp Genetics (formerly Invitae), Labcorp
Classification: Uncertain significance for Familial cancer of breast; Fanconi anemia complementation group J. Last evaluated: 2025-02-07. Review status: criteria provided, single submitter. Criteria: Invitae Variant Classification Sherloc (09022015). Collection method: clinical testing. Allele origin: germline.
Comment: This sequence change replaces aspartic acid, which is acidic and polar, with glycine, which is neutral and non-polar, at codon 423 of the BRIP1 protein (p.Asp423Gly). This variant is present in population databases (rs746778889, gnomAD 0.003%). This variant has not been reported in the literature in individuals affected with BRIP1-related conditions. ClinVar contains an entry for this variant (Variation ID: 481662). Invitae Evidence Modeling of protein sequence and biophysical properties (such as structural, functional, and spatial information, amino acid conservation, physicochemical variation, residue mobility, and thermodynamic stability) indicates that this missense variant is not expected to disrupt BRIP1 protein function with a negative predictive value of 95%. Algorithms developed to predict the effect of sequence changes on RNA splicing suggest that this variant may create or strengthen a splice site. In summary, the available evidence is currently insufficient to determine the role of this variant in disease. Therefore, it has been classified as a Variant of Uncertain Significance.

Color Diagnostics, LLC DBA Color Health
Classification: Uncertain significance for Hereditary cancer-predisposing syndrome. Last evaluated: 2024-03-06. Review status: criteria provided, single submitter. Criteria: ACMG Guidelines, 2015. Collection method: clinical testing. Allele origin: germline.
Comment: This missense variant replaces aspartic acid with glycine at codon 423 of the BRIP1 protein. Computational prediction is inconclusive regarding the impact of this variant on protein structure and function (internally defined REVEL score threshold 0.5 < inconclusive < 0.7, PMID: 27666373). To our knowledge, functional studies have not been reported for this variant. This variant has not been reported in individuals affected with hereditary cancer in the literature. This variant has been identified in 3/282612 chromosomes in the general population by the Genome Aggregation Database (gnomAD). The available evidence is insufficient to determine the role of this variant in disease conclusively. Therefore, this variant is classified as a Variant of Uncertain Significance.

Quest Diagnostics Nichols Institute San Juan Capistrano
Classification: Uncertain significance. Last evaluated: 2024-01-09. Review status: criteria provided, single submitter. Criteria: Quest Diagnostics criteria. Collection method: clinical testing. Allele origin: unknown.
Comment: The BRIP1 c.1268A>G (p.Asp423Gly) variant has not been reported in individuals with BRIP1-related conditions in the published literature. The frequency of this variant in the general population, 0.000011 (3/282612 chromosomes (Genome Aggregation Database)), is uninformative in the assessment of its pathogenicity. Analysis of this variant using bioinformatics tools for the prediction of the effect of amino acid changes on protein structure and function yielded predictions that this variant is damaging. Based on the available information, we are unable to determine the clinical significance of this variant.

Baylor Genetics
Classification: Uncertain significance for Familial cancer of breast. Last evaluated: 2023-09-06. Review status: criteria provided, single submitter. Criteria: ACMG Guidelines, 2015. Collection method: clinical testing. Allele origin: unknown.

GeneDx
Classification: Uncertain significance. Last evaluated: 2022-07-20. Review status: criteria provided, single submitter. Criteria: GeneDx Variant Classification Process June 2021. Collection method: clinical testing. Allele origin: germline. Affected: yes.
Comment: Not observed at significant frequency in large population cohorts (gnomAD); In silico analysis supports that this missense variant has a deleterious effect on protein structure/function; Has not been previously published as pathogenic or benign to our knowledge

NM_032043.3(BRIP1):c.1268A>G (p.Asp423Gly)

Gene: BRIP1 (BRCA1 interacting DNA helicase 1; minus strand). Cytogenetic location: 17q23.2.
Variant type: single nucleotide variant.
Coding change: c.1268A>G on transcript NM_032043.3 (MANE Select); coding-DNA position 1268, A replaced by G.
Protein change: p.Asp423Gly; replaces aspartic acid 423 with glycine.
Molecular consequence: missense variant.
Genome position (GRCh38, 1-based): chr17:61,799,172, T>C on the plus strand (A>G on the coding strand, the complement: BRIP1 is on the minus strand). VCF-style: chr17-61799172-T-C. GRCh37 (hg19) VCF-style: chr17-59876533-T-C.
Other names: short protein forms D423G.
Identifiers: ClinVar variation 481662 (VCV000481662.18), dbSNP rs746778889, ClinGen allele CA8690769.